The following is an entry in ClinVar:

NM_206933.4(USH2A):c.6240G>T (p.Lys2080Asn)

Gene: USH2A (usherin; minus strand). Cytogenetic location: 1q41.
Variant type: single nucleotide variant.
Coding change: c.6240G>T on transcript NM_206933.4 (MANE Select); coding-DNA position 6240, G replaced by T.
Protein change: p.Lys2080Asn; replaces lysine 2080 with asparagine.
Molecular consequence: missense variant.
Genome position (GRCh38, 1-based): chr1:216,046,516, C>A on the plus strand (G>T on the coding strand, the complement: USH2A is on the minus strand). VCF-style: chr1-216046516-C-A. GRCh37 (hg19) VCF-style: chr1-216219858-C-A.
Other names: short protein forms K2080N.
Identifiers: ClinVar variation 48555 (VCV000048555.61), dbSNP rs114402911, ClinGen allele CA143548.
Genomic context (GRCh38, chr1:216,046,516, plus strand): 5'-GCCTGAATAGATCAGCCTCCCATCCATGTATAAACAGTACTGAGTTATAATACCATTTGC[C>A]TTTTTGGGTGGGTTCCAGGAGAGCAGCAAAGAACTGGGAAGGGATTTGGCTACTGGTGGC-3'
Protein context (NP_996816.3, residues 2070-2090): SLLLSWNPPK[Lys2080Asn]ANGIITQYCL

ClinVar aggregate classification (germline): Benign/Likely benign. Review status: criteria provided, multiple submitters, no conflicts (2 of 4 stars). 18 submissions from 17 submitters: Benign (9); Likely benign (4). 5 of the submissions do not count toward it. Last evaluated 2026-08-01.

Conditions:
Retinitis pigmentosa (RP). Identifiers: Orphanet 791, MedGen C0035334, MeSH D012174, MONDO:0019200, OMIM 268000. Inheritance: Autosomal dominant, autosomal recessive and X linked inheritance.
Retinitis pigmentosa 39 (RP39). Identifiers: Orphanet 791, MedGen C3151138, MONDO:0013436, OMIM 613809.
Usher syndrome type 2A. Also called: RETINAL DISEASE IN USHER SYNDROME TYPE IIA, MODIFIER OF; USHER SYNDROME, TYPE IIA. Identifiers: Orphanet 231178, Orphanet 886, MedGen C1848634, MONDO:0010169, OMIM 276901.

Allele frequency attached by ClinVar (database versions not stated): ESP Exome Variant Server 0.01000; 1000 Genomes Project 0.00399; 1000 Genomes Project 30x 0.00515; ExAC 0.00593; gnomAD 0.00733 and 0.00770; TOPMed 0.00775; gnomAD exomes 0.00556.
gnomAD v4.1: 11,347 of 1,613,826 alleles (0.7%); highest among the groups gnomAD compares: African/African-American, 0.96%; 61 homozygotes.

Submissions (18):

CeGaT Center for Human Genetics Tuebingen
Classification: Likely benign. Last evaluated: 2026-08-01. Review status: criteria provided, single submitter. Criteria: CeGaT Center For Human Genetics Tuebingen Variant Classification Criteria Version 2. Collection method: clinical testing. Allele origin: germline. Affected: yes. Observed: 26 variant alleles.
Comment: USH2A: BP4, BS2

Labcorp Genetics (formerly Invitae), Labcorp
Classification: Benign. Last evaluated: 2026-02-04. Review status: criteria provided, single submitter. Criteria: Invitae Variant Classification Sherloc (09022015). Collection method: clinical testing. Allele origin: germline.

Genomic Medicine Center of Excellence, King Faisal Specialist Hospital and Research Centre
Classification: Likely benign. Last evaluated: 2025-08-18. Review status: criteria provided, single submitter. Criteria: ACMG Guidelines, 2015. Collection method: clinical testing. Allele origin: germline.

Genome-Nilou Lab
Classification: Likely benign for Retinitis pigmentosa 39. Last evaluated: 2023-11-04. Review status: criteria provided, single submitter. Criteria: ACMG Guidelines, 2015. Collection method: clinical testing. Allele origin: germline. Affected: no.

Genome-Nilou Lab
Classification: Likely benign for Usher syndrome type 2A. Last evaluated: 2023-11-04. Review status: criteria provided, single submitter. Criteria: ACMG Guidelines, 2015. Collection method: clinical testing. Allele origin: germline. Affected: no.

ARUP Laboratories, Molecular Genetics and Genomics, ARUP Laboratories
Classification: Benign. Last evaluated: 2023-09-21. Review status: criteria provided, single submitter. Criteria: ARUP Molecular Germline Variant Investigation Process 2024. Collection method: clinical testing. Allele origin: germline.

Women's Health and Genetics/Laboratory Corporation of America, LabCorp
Classification: Benign. Last evaluated: 2022-03-08. Review status: criteria provided, single submitter. Criteria: LabCorp Variant Classification Summary - May 2015. Collection method: clinical testing. Allele origin: germline.
Comment: Variant summary: USH2A c.6240G>T (p.Lys2080Asn) results in a non-conservative amino acid change in the encoded protein sequence. Three of five in-silico tools predict a benign effect of the variant on protein function. The variant allele was found at a frequency of 0.0056 in 251140 control chromosomes, predominantly at a frequency of 0.01 within the African or African-American subpopulation in the gnomAD database, including 3 homozygotes. This frequency is almost close to that estimated for a pathogenic variant in USH2A causing Usher Syndrome (0.0056 vs 0.011), supporting a benign outcome. To our knowledge, no penetrant association of c.6240G>T in individuals affected with Usher Syndrome and no experimental evidence demonstrating its impact on protein function have been reported. Seven clinical diagnostic laboratories have submitted clinical-significance assessments for this variant to ClinVar after 2014 without evidence for independent evaluation and a predominant consensus as benign/likely benign. Based on the evidence outlined above, the variant was classified as benign.

Mayo Clinic Laboratories, Mayo Clinic
Classification: Benign. Last evaluated: 2021-02-22. Review status: criteria provided, single submitter. Criteria: ACMG Guidelines, 2015. Collection method: clinical testing. Allele origin: germline. Observed: 3 variant alleles.

Mendelics
Classification: Benign for Usher syndrome type 2A. Last evaluated: 2019-05-28. Review status: criteria provided, single submitter. Criteria: Mendelics Assertion Criteria 2017. Collection method: clinical testing. Allele origin: unknown.

GeneDx
Classification: Benign. Last evaluated: 2018-12-20. Review status: criteria provided, single submitter. Criteria: GeneDx Variant Classification Process June 2021. Collection method: clinical testing. Allele origin: germline. Affected: yes.
Comment: This variant is associated with the following publications: (PMID: 25412400, 18273898)

Eurofins Ntd Llc (ga)
Classification: Benign. Last evaluated: 2017-01-05. Review status: criteria provided, single submitter. Criteria: EGL Classification Definitions 2015. Collection method: clinical testing. Allele origin: germline. Observed: 1 variant allele, 1 heterozygote.

Laboratory for Molecular Medicine, Mass General Brigham Personalized Medicine
Classification: Benign. Last evaluated: 2012-05-14. Review status: criteria provided, single submitter. Criteria: LMM Criteria. Collection method: clinical testing. Allele origin: germline. Observed: 27 variant alleles.
Comment: Lys2080Asn in Exon 32 of USH2A: This variant is not expected to have clinical si gnificance because it has been identified in 1.1% (41/3738) of African American chromosomes from a broad population by the NHLBI Exome Sequencing Project (dbSNP rs114402911). As expected, this variant has b een reported in equal frequencies in cases and controls (Booij 2010, Clark 2010, Dreyer 2008, McGee 2010).

Breakthrough Genomics
Classification: Benign. Review status: criteria provided, single submitter. Criteria: ACMG Guidelines, 2015. Collection method: not provided. Allele origin: germline. Inheritance: Autosomal recessive inheritance. Affected: yes.

Natera, Inc.
Classification: Benign for Usher syndrome type 2A. Last evaluated: 2020-09-16. Review status: no assertion criteria provided. Collection method: clinical testing. Allele origin: germline. Not counted in ClinVar's aggregate classification.

NIHR Bioresource Rare Diseases, University of Cambridge
Classification: Uncertain significance for Retinitis pigmentosa. Last evaluated: 2015-01-01. Review status: no assertion criteria provided. Collection method: research. Allele origin: unknown. Affected: yes. Observed: 1 variant allele. Not counted in ClinVar's aggregate classification.

Clinical Genetics DNA and cytogenetics Diagnostics Lab, Erasmus MC, Erasmus Medical Center
Classification: Likely benign. Review status: no assertion criteria provided. Collection method: clinical testing. Allele origin: germline. Affected: yes. Study: VKGL Data-share Consensus. Not counted in ClinVar's aggregate classification.

Clinical Genetics, Academic Medical Center
Classification: Benign. Review status: no assertion criteria provided. Collection method: clinical testing. Allele origin: germline. Affected: yes. Study: VKGL Data-share Consensus. Not counted in ClinVar's aggregate classification.

Joint Genome Diagnostic Labs from Nijmegen and Maastricht, Radboudumc and MUMC+
Classification: Benign. Review status: no assertion criteria provided. Collection method: clinical testing. Allele origin: germline. Affected: yes. Study: VKGL Data-share Consensus. Not counted in ClinVar's aggregate classification.

Literature cited by the submitters: PubMed 18273898 (cited by Laboratory for Molecular Medicine, Mass General Brigham Personalized Medicine); PubMed 20801516 (cited by Laboratory for Molecular Medicine, Mass General Brigham Personalized Medicine); PubMed 20507924 (cited by Laboratory for Molecular Medicine, Mass General Brigham Personalized Medicine); PubMed 20591486 (cited by Laboratory for Molecular Medicine, Mass General Brigham Personalized Medicine); PubMed 18484607 (cited by Laboratory for Molecular Medicine, Mass General Brigham Personalized Medicine); PubMed 25412400 (cited by NIHR Bioresource Rare Diseases, University of Cambridge); PubMed 28041643 (cited by NIHR Bioresource Rare Diseases, University of Cambridge).